The following is an entry in ClinVar:

ClinVar aggregate classification (germline): Uncertain significance (1 of 4 stars; one submission).

Submission:

Ambry Genetics
Classification: Uncertain significance. Last evaluated: 2024-01-30. Review status: criteria provided, single submitter. Criteria: Ambry Variant Classification Scheme 2023. Collection method: clinical testing. Allele origin: germline.
Comment: The p.E952K variant (also known as c.2854G>A), located in coding exon 25 of the KIF1B gene, results from a G to A substitution at nucleotide position 2854. The glutamic acid at codon 952 is replaced by lysine, an amino acid with similar properties. This amino acid position is conserved. In addition, this alteration is predicted to be deleterious by in silico analysis. Based on the available evidence, the clinical significance of this alteration remains unclear.

NM_001365951.3(KIF1B):c.2992G>A (p.Glu998Lys)

Gene: KIF1B (kinesin family member 1B; plus strand). Cytogenetic location: 1p36.22.
Variant type: single nucleotide variant.
Coding change: c.2992G>A on transcript NM_001365951.3 (MANE Select); coding-DNA position 2992, G replaced by A.
Protein change: p.Glu998Lys; replaces glutamic acid 998 with lysine.
Molecular consequence: missense variant.
Genome position (GRCh38, 1-based): chr1:10,334,587, G>A. VCF-style: chr1-10334587-G-A. GRCh37 (hg19) VCF-style: chr1-10394645-G-A.
Other names: c.2992G>A, p.Glu998Lys (NM_001365952.1); c.2854G>A, p.Glu952Lys (NM_015074.3); short protein forms E952K, E998K.
Identifiers: ClinVar variation 3226421 (VCV003226421.1), dbSNP rs2521700640, ClinGen allele CA338338736.